The following is an entry in ClinVar:

ClinVar aggregate classification (germline): Uncertain significance. Review status: criteria provided, multiple submitters, no conflicts (2 of 4 stars). 3 submissions from 3 submitters: Uncertain significance (3). Last evaluated 2025-01-02.

Conditions:
Neuropathy, hereditary sensory and autonomic, type 2A (HSAN2A). Also called: MORVAN DISEASE; NEUROPATHY, CONGENITAL SENSORY; NEUROPATHY, HEREDITARY SENSORY RADICULAR, AUTOSOMAL RECESSIVE; NEUROPATHY, HEREDITARY SENSORY, TYPE IIA; NEUROPATHY, PROGRESSIVE SENSORY, OF CHILDREN; HSAN IIA. Identifiers: Orphanet 970, MedGen C2752089, MONDO:0024309, OMIM 201300.
Generalized epilepsy with febrile seizures plus, type 7 (GEFSP7). Also called: GEFS+, TYPE 7. Identifiers: Orphanet 36387, MedGen C2751778, MONDO:0013470, OMIM 613863.

Allele frequency attached by ClinVar (database versions not stated): gnomAD exomes below 0.00001; gnomAD 0.00001; TOPMed 0.00003.

Submissions (3):

Labcorp Genetics (formerly Invitae), Labcorp
Classification: Uncertain significance for Neuropathy, hereditary sensory and autonomic, type 2A; Generalized epilepsy with febrile seizures plus, type 7. Last evaluated: 2025-01-02. Review status: criteria provided, single submitter. Criteria: Invitae Variant Classification Sherloc (09022015). Collection method: clinical testing. Allele origin: germline.
Comment: This sequence change replaces phenylalanine, which is neutral and non-polar, with leucine, which is neutral and non-polar, at codon 88 of the SCN9A protein (p.Phe88Leu). This variant is present in population databases (no rsID available, gnomAD 0.007%). This variant has not been reported in the literature in individuals affected with SCN9A-related conditions. ClinVar contains an entry for this variant (Variation ID: 992739). Invitae Evidence Modeling of protein sequence and biophysical properties (such as structural, functional, and spatial information, amino acid conservation, physicochemical variation, residue mobility, and thermodynamic stability) has been performed for this missense variant. However, the output from this modeling did not meet the statistical confidence thresholds required to predict the impact of this variant on SCN9A protein function. In summary, the available evidence is currently insufficient to determine the role of this variant in disease. Therefore, it has been classified as a Variant of Uncertain Significance.

New York Genome Center
Classification: Uncertain significance for Generalized epilepsy with febrile seizures plus, type 7. Last evaluated: 2022-05-27. Review status: criteria provided, single submitter. Criteria: NYGC Assertion Criteria 2020. Collection method: clinical testing. Allele origin: inherited. Observed: 1 heterozygote. Study: CSER-NYCKidSeq.
Comment: The inherited heterozygous p.Phe88Leu variant has not been reported in the medical literature. It is absent from the ExAC database and is reported one time in the gnomAD database (1 out of 244,826 heterozygous alleles) indicating it is an extremely rare allele. The variant affects a highly conserved residue and is predicted deleterious by a variety of in silico prediction tools. Based on the current evidence, the inherited p.Phe88Leu variant in the SCN9A gene is assessed as a variant of uncertain significance.

GeneDx
Classification: Uncertain significance. Last evaluated: 2019-08-05. Review status: criteria provided, single submitter. Criteria: GeneDx Variant Classification Process June 2021. Collection method: clinical testing. Allele origin: germline. Affected: yes.
Comment: In silico analysis, which includes protein predictors and evolutionary conservation, supports a deleterious effect; Has not been previously published as pathogenic or benign to our knowledge

NM_001365536.1(SCN9A):c.262T>C (p.Phe88Leu)

Gene: SCN9A (sodium voltage-gated channel alpha subunit 9; minus strand). Cytogenetic location: 2q24.3.
Variant type: single nucleotide variant.
Coding change: c.262T>C on transcript NM_001365536.1 (MANE Select); coding-DNA position 262, T replaced by C.
Protein change: p.Phe88Leu; replaces phenylalanine 88 with leucine.
Molecular consequence: missense variant.
Genome position (GRCh38, 1-based): chr2:166,307,071, A>G on the plus strand (T>C on the coding strand, the complement: SCN9A is on the minus strand). VCF-style: chr2-166307071-A-G. GRCh37 (hg19) VCF-style: chr2-167163581-A-G.
Other names: c.262T>C, p.Phe88Leu (NM_002977.4); short protein forms F88L.
Identifiers: ClinVar variation 992739 (VCV000992739.12), dbSNP rs1012999498, ClinGen allele CA59809508.